The following is an entry in ClinVar:

ClinVar aggregate classification (germline): Pathogenic/Likely pathogenic. Review status: criteria provided, multiple submitters, no conflicts (2 of 4 stars). 2 submissions from 2 submitters: Pathogenic (1); Likely pathogenic (1). Last evaluated 2025-12-23.

Conditions:
von Willebrand disorder (VWD). Also called: von Willebrand Diseases; Von Willebrand disease (hereditary or acquired); von Willebrand's disease. Identifiers: MedGen C0042974, MeSH D014842, MONDO:0024574.

Submissions (2):

Women's Health and Genetics/Laboratory Corporation of America, LabCorp
Classification: Pathogenic for von Willebrand disorder. Last evaluated: 2025-12-23. Review status: criteria provided, single submitter. Criteria: LabCorp Variant Classification Summary - May 2015. Collection method: clinical testing. Allele origin: germline.
Comment: Variant summary: VWF c.8155+6T>A alters a conserved nucleotide located close to a canonical splice site and therefore could affect mRNA splicing, leading to a significantly altered protein sequence. Several computational tools predict a significant impact on normal splicing: Two predict the variant abolishes the canonical 5' splicing donor site. One predict the variant weakens the canonical 5' donor site. One predict the variant no significant impact on splicing. At least one publication reports experimental evidence that this variant affects mRNA splicing by skipping exon 50 (Harrington_2018). The variant was absent in 251476 control chromosomes. c.8155+6T>A has been observed in mulitple individuals from a family with Von Willebrand Disease: it was at a homozygous state in two siblings affected with severe Type 3 vWD and was at a heterozygous state in parents and the third sibling with mild Type 1 vWD (Harrington_2018). These data indicate that the variant is likely to be associated with disease. The following publication has been ascertained in the context of this evaluation (PMID: 30574182). ClinVar contains an entry for this variant (Variation ID: 3572188). Based on the evidence outlined above, the variant was classified as pathogenic.

Quest Diagnostics Nichols Institute San Juan Capistrano
Classification: Likely pathogenic. Last evaluated: 2023-12-19. Review status: criteria provided, single submitter. Criteria: Quest Diagnostics criteria. Collection method: clinical testing. Allele origin: unknown.
Comment: The VWF c.8155+6T>A variant has been reported in the homozygous state in an individual with Type 3 von Willebrand disease (vWD) (PMID: 31532876 (2019)). In addition, this variant has been shown to segregate with disease in a family with vWD, and described to cause aberrant VWF mRNA splicing (PMID: 30574182 (2018)). This variant has not been reported in large, multi-ethnic general populations (Genome Aggregation Database). Analysis of this variant using software algorithms for the prediction of the effect of nucleotide changes on splicing yielded predictions that this variant may affect proper VWF mRNA splicing. Based on the available information, this variant is classified as likely pathogenic.

Literature cited by the submitters: PubMed 30574182 (cited by Women's Health and Genetics/Laboratory Corporation of America, LabCorp and Quest Diagnostics Nichols Institute San Juan Capistrano); PubMed 31532876 (cited by Quest Diagnostics Nichols Institute San Juan Capistrano).

NM_000552.5(VWF):c.8155+6T>A

Gene: VWF (von Willebrand factor; minus strand). Cytogenetic location: 12p13.31.
Variant type: single nucleotide variant.
Coding change: c.8155+6T>A on transcript NM_000552.5 (MANE Select); 6 bases into the intron after coding-DNA position 8155, T replaced by A.
Molecular consequence: intron variant.
Genome position (GRCh38, 1-based): chr12:5,951,838, A>T on the plus strand (T>A on the coding strand, the complement: VWF is on the minus strand). VCF-style: chr12-5951838-A-T. GRCh37 (hg19) VCF-style: chr12-6061004-A-T.
Identifiers: ClinVar variation 3572188 (VCV003572188.2).
Genomic context (GRCh38, chr12:5,951,838, plus strand): 5'-GCTGCAAAGAGCCCCTGGACTTGCTCTGATGGGTTTCAAGGGACAAGATATTAGTAACGC[A>T]CTCACATGTGTCACAGCAGGTGCCTGGAATTTTCATAATTTTACCCTAAGAAAACAGCAA-3'